The following continues an entry in ClinVar:

NM_000368.5(TSC1):c.2194C>T (p.His732Tyr)

Gene: TSC1. ClinVar aggregate classification (germline): Conflicting classifications of pathogenicity. Uncertain significance (1); Benign (21); Likely benign (3).

Submissions 26 to 34 of 34:

ITMI
No classification provided. Condition: AllHighlyPenetrant. Last evaluated: 2013-09-19. Review status: no classification provided. Collection method: reference population. Allele origin: germline. Not counted in ClinVar's aggregate classification.
Comment: Please see associated publication for description of ethnicities

Biesecker Lab/Clinical Genomics Section, National Institutes of Health
Classification: Likely benign. Last evaluated: 2012-07-13. Review status: no assertion criteria provided. Collection method: research. Allele origin: germline. Affected: no. Observed: 1 variant allele. Study: ClinSeq. Not counted in ClinVar's aggregate classification.
ClinVar note: Converted during submission from probably not pathogenic to Likely benign.

Clinical Genetics DNA and cytogenetics Diagnostics Lab, Erasmus MC, Erasmus Medical Center
Classification: Benign. Review status: no assertion criteria provided. Collection method: clinical testing. Allele origin: germline. Affected: yes. Study: VKGL Data-share Consensus. Not counted in ClinVar's aggregate classification.

Clinical Genetics, Academic Medical Center
Classification: Likely benign. Review status: no assertion criteria provided. Collection method: clinical testing. Allele origin: germline. Affected: yes. Study: VKGL Data-share Consensus. Not counted in ClinVar's aggregate classification.

Diagnostic Laboratory, Department of Genetics, University Medical Center Groningen
Classification: Likely benign. Review status: no assertion criteria provided. Collection method: clinical testing. Allele origin: germline. Affected: yes. Study: VKGL Data-share Consensus. Not counted in ClinVar's aggregate classification.

Genome Diagnostics Laboratory, Amsterdam University Medical Center
Classification: Benign. Review status: no assertion criteria provided. Collection method: clinical testing. Allele origin: germline. Affected: yes. Study: VKGL Data-share Consensus. Not counted in ClinVar's aggregate classification.

Joint Genome Diagnostic Labs from Nijmegen and Maastricht, Radboudumc and MUMC+
Classification: Benign. Review status: no assertion criteria provided. Collection method: clinical testing. Allele origin: germline. Affected: yes. Study: VKGL Data-share Consensus. Not counted in ClinVar's aggregate classification.

Tuberous sclerosis database (TSC1)
No classification provided. Condition: TSC. Review status: no classification provided. Criteria: Tuberous Sclerosis Database Assertion Criteria 2015. Collection method: curation. Allele origin: germline. Affected: yes. Not counted in ClinVar's aggregate classification.

OMIM
Classification: Uncertain significance for RECLASSIFIED - VARIANT OF UNKNOWN SIGNIFICANCE. Last evaluated: 2009-06-01. Review status: flagged submission. Collection method: literature only. Allele origin: germline. Not counted in ClinVar's aggregate classification.
ClinVar note: Reason: Older claim that does not account for recent evidence

Literature cited by the submitters: PubMed 29706646 (cited by Quest Diagnostics Nichols Institute San Juan Capistrano); PubMed 31664448 (cited by Quest Diagnostics Nichols Institute San Juan Capistrano); PubMed 9328481 (cited by 3 submitters); PubMed 24728327 (cited by Quest Diagnostics Nichols Institute San Juan Capistrano and ITMI); PubMed 10533067 (cited by Quest Diagnostics Nichols Institute San Juan Capistrano); PubMed 34799483 (cited by Quest Diagnostics Nichols Institute San Juan Capistrano); PubMed 27425891 (cited by Quest Diagnostics Nichols Institute San Juan Capistrano and Athena Diagnostics); PubMed 10227394 (cited by 3 submitters); PubMed 12112044 (cited by 3 submitters); PubMed 9863590 (cited by Quest Diagnostics Nichols Institute San Juan Capistrano and Athena Diagnostics); PubMed 16114042 (cited by 3 submitters); PubMed 23514105 (cited by Quest Diagnostics Nichols Institute San Juan Capistrano and Athena Diagnostics); PubMed 9924605 (cited by Quest Diagnostics Nichols Institute San Juan Capistrano and Athena Diagnostics); PubMed 19918125 (cited by Quest Diagnostics Nichols Institute San Juan Capistrano and Athena Diagnostics); PubMed 21309039 (cited by Quest Diagnostics Nichols Institute San Juan Capistrano and Athena Diagnostics); PubMed 19175396 (cited by OMIM).